The following is an entry in ClinVar:

NM_000051.4(ATM):c.6935T>A (p.Leu2312His)

Genes: ATM (ATM serine/threonine kinase; plus strand), C11orf65 (chromosome 11 open reading frame 65; minus strand). Cytogenetic location: 11q22.3.
Variant type: single nucleotide variant.
Coding change: c.6935T>A on transcript NM_000051.4 (MANE Select); coding-DNA position 6935, T replaced by A.
Protein change: p.Leu2312His; replaces leucine 2312 with histidine.
Molecular consequence: missense variant. On other transcripts: intron variant (2).
Genome position (GRCh38, 1-based): chr11:108,326,185, T>A. VCF-style: chr11-108326185-T-A. GRCh37 (hg19) VCF-style: chr11-108196912-T-A.
Other names: c.6935T>A, p.Leu2312His (NM_001351834.2); c.641-17114A>T (NM_001330368.2); c.*38+9035A>T (NM_001351110.2); short protein forms L2312H.
Identifiers: ClinVar variation 2054927 (VCV002054927.4), dbSNP rs761352263, ClinGen allele CA382557203.

ClinVar aggregate classification (germline): Uncertain significance (1 of 4 stars; one submission).

Conditions:
Ataxia-telangiectasia syndrome (AT). Also called: Ataxia-telangiectasia, complementation group D; AT, COMPLEMENTATION GROUP C; ATAXIA-TELANGIECTASIA, COMPLEMENTATION GROUP A; ATAXIA-TELANGIECTASIA, FRESNO VARIANT; Ataxia-telangiectasia, complementation group E; LOUIS-BAR SYNDROME. Identifiers: Orphanet 100, MedGen C0004135, MONDO:0008840, OMIM 208900.

Submission:

Labcorp Genetics (formerly Invitae), Labcorp
Classification: Uncertain significance for Ataxia-telangiectasia syndrome. Last evaluated: 2025-01-17. Review status: criteria provided, single submitter. Criteria: Invitae Variant Classification Sherloc (09022015). Collection method: clinical testing. Allele origin: germline.
Comment: This sequence change replaces leucine, which is neutral and non-polar, with histidine, which is basic and polar, at codon 2312 of the ATM protein (p.Leu2312His). This variant is not present in population databases (gnomAD no frequency). This variant has not been reported in the literature in individuals affected with ATM-related conditions. ClinVar contains an entry for this variant (Variation ID: 2054927). Invitae Evidence Modeling of protein sequence and biophysical properties (such as structural, functional, and spatial information, amino acid conservation, physicochemical variation, residue mobility, and thermodynamic stability) indicates that this missense variant is expected to disrupt ATM protein function with a positive predictive value of 95%. In summary, the available evidence is currently insufficient to determine the role of this variant in disease. Therefore, it has been classified as a Variant of Uncertain Significance.